The following is an entry in ClinVar:

ClinVar aggregate classification (germline): Uncertain significance (1 of 4 stars; one submission).

Conditions:
CHARGE syndrome (CHARGE). Also called: Hittner Hirsch Kreh syndrome; CHARGE ASSOCIATION--COLOBOMA, HEART ANOMALY, CHOANAL ATRESIA, RETARDATION, GENITAL AND EAR ANOMALIES; Coloboma, heart anomaly, choanal atresia, retardation, genital and ear anomalies; CHARGE association; Hall-Hittner syndrome. Identifiers: Orphanet 138, MedGen C0265354, MONDO:0008965.

Submission:

Labcorp Genetics (formerly Invitae), Labcorp
Classification: Uncertain significance for CHARGE syndrome. Last evaluated: 2024-05-28. Review status: criteria provided, single submitter. Criteria: Invitae Variant Classification Sherloc (09022015). Collection method: clinical testing. Allele origin: germline.
Comment: This variant, c.1476_1520del, is a complex sequence change that results in the deletion of 16 and insertion of 1 amino acid(s) in the CHD7 protein (p.Gln492_Ser507delinsHis). This variant is not present in population databases (gnomAD no frequency). This variant has not been reported in the literature in individuals affected with CHD7-related conditions. Experimental studies and prediction algorithms are not available or were not evaluated, and the functional significance of this variant is currently unknown. In summary, the available evidence is currently insufficient to determine the role of this variant in disease. Therefore, it has been classified as a Variant of Uncertain Significance.

NM_017780.4(CHD7):c.1476_1520del (p.Gln492_Ser507delinsHis)

Gene: CHD7 (chromodomain helicase DNA binding protein 7; plus strand). Cytogenetic location: 8q12.2.
Variant type: Deletion.
Coding change: c.1476_1520del on transcript NM_017780.4 (MANE Select); coding-DNA positions 1476 to 1520, 45 bases deleted.
Protein change: p.Gln492_Ser507delinsHis.
Molecular consequence: inframe indel.
Genome position (GRCh38, 1-based): chr8:60,742,908-60,742,952, 45 bases deleted. GRCh37 (hg19): chr8:61,655,467-61,655,511.
Other names: c.1476_1520del, p.Gln492_Ser507delinsHis (NM_001316690.1).
Identifiers: ClinVar variation 3654886 (VCV003654886.2).